The following is an entry in ClinVar:

ClinVar aggregate classification (germline): Uncertain significance (1 of 4 stars; one submission).

Conditions:
Hereditary cancer-predisposing syndrome. Also called: Neoplastic Syndromes, Hereditary; Tumor predisposition; Hereditary neoplastic syndrome; Hereditary Cancer Syndrome. Identifiers: Orphanet 140162, MedGen C0027672, MeSH D009386, MONDO:0015356.

Submission:

Ambry Genetics
Classification: Uncertain significance for Hereditary cancer-predisposing syndrome. Last evaluated: 2022-12-27. Review status: criteria provided, single submitter. Criteria: Ambry Variant Classification Scheme 2023. Collection method: clinical testing. Allele origin: germline.
Comment: The p.T490N variant (also known as c.1469C>A), located in coding exon 7 of the ALK gene, results from a C to A substitution at nucleotide position 1469. The threonine at codon 490 is replaced by asparagine, an amino acid with similar properties. This amino acid position is conserved. In addition, this alteration is predicted to be tolerated by in silico analysis. Since supporting evidence is limited at this time, the clinical significance of this alteration remains unclear.

NM_004304.5(ALK):c.1469C>A (p.Thr490Asn)

Gene: ALK (ALK receptor tyrosine kinase; minus strand). Cytogenetic location: 2p23.2.
Variant type: single nucleotide variant.
Coding change: c.1469C>A on transcript NM_004304.5 (MANE Select); coding-DNA position 1469, C replaced by A.
Protein change: p.Thr490Asn; replaces threonine 490 with asparagine.
Molecular consequence: missense variant.
Genome position (GRCh38, 1-based): chr2:29,320,828, G>T on the plus strand (C>A on the coding strand, the complement: ALK is on the minus strand). VCF-style: chr2-29320828-G-T. GRCh37 (hg19) VCF-style: chr2-29543694-G-T.
Other names: short protein forms T490N.
Identifiers: ClinVar variation 2452109 (VCV002452109.2), dbSNP rs2465435590, ClinGen allele CA346472488.